The following is an entry in ClinVar:

ClinVar aggregate classification (germline): Pathogenic (1 of 4 stars; one submission).

Submission:

GeneDx
Classification: Pathogenic. Last evaluated: 2021-09-20. Review status: criteria provided, single submitter. Criteria: GeneDx Variant Classification Process June 2021. Collection method: clinical testing. Allele origin: germline. Affected: yes.
Comment: Frameshift variant predicted to result in protein truncation or nonsense mediated decay in a gene for which loss-of-function is a known mechanism of disease; Not observed at significant frequency in large population cohorts (gnomAD); Has not been previously published as pathogenic or benign to our knowledge

NM_207037.2(TCF12):c.1495del (p.Ser499fs)

Gene: TCF12 (transcription factor 12; plus strand). Cytogenetic location: 15q21.3.
Variant type: Deletion.
Coding change: c.1495del on transcript NM_207037.2 (MANE Select); coding-DNA position 1495, one base deleted (A; older notation c.1495delA).
Protein change: p.Ser499fs; shifts the reading frame from serine 499.
Molecular consequence: frameshift variant.
Genome position (GRCh38, 1-based): chr15:57,262,121, A deleted. VCF-style (leftmost placement, unchanged base first): chr15-57262120-CA-C. GRCh37 (hg19) VCF-style: chr15-57554318-CA-C.
Other names: c.985del, p.Ser329fs (NM_001306219.3); c.715del, p.Ser239fs (NM_001306220.3); c.1495del, p.Ser499fs (NM_001322151.2, NM_001322152.2, NM_001322159.3 and 2 more transcripts); c.838del, p.Ser280fs (NM_001322154.2); c.1321del, p.Ser441fs (NM_001322156.2); c.1423del, p.Ser475fs (NM_001322157.3, NM_001322165.2, NM_003205.4 and 1 more transcripts); c.1249del, p.Ser417fs (NM_001322158.2); c.1492del, p.Ser498fs (NM_001322161.2); and 2 more; short protein forms S280fs, S499fs, S305fs, S498fs, S417fs, S441fs, S487fs, S239fs.
Identifiers: ClinVar variation 1810542 (VCV001810542.1), dbSNP rs2551491638, ClinGen allele CA2580089814.